The following is an entry in ClinVar:

ClinVar aggregate classification (germline): Uncertain significance. Review status: criteria provided, multiple submitters, no conflicts (2 of 4 stars). 2 submissions from 2 submitters: Uncertain significance (2). Last evaluated 2024-07-15.

Conditions:
Cardiovascular phenotype. Identifiers: MedGen CN230736.
Arrhythmogenic cardiomyopathy with wooly hair and keratoderma. Also called: Dilated cardiomyopathy with woolly hair and keratoderma; Arrhythmogenic cardiomyopathy with woolly hair and keratoderma; PALMOPLANTAR KERATODERMA WITH LEFT VENTRICULAR CARDIOMYOPATHY AND WOOLLY HAIR; Carvajal syndrome. Identifiers: Orphanet 65282, MedGen C1854063, MONDO:0011581, OMIM 605676.
Arrhythmogenic right ventricular dysplasia 8 (ARVD8). Also called: Arrhythmogenic Right Ventricular Dysplasia/Cardiomyopathy 8; ARRHYTHMOGENIC RIGHT VENTRICULAR DYSPLASIA, FAMILIAL, 8; ARRHYTHMOGENIC RIGHT VENTRICULAR CARDIOMYOPATHY 8. Identifiers: MedGen C1843896, MONDO:0011831, OMIM 607450.

gnomAD v4.1: 1 of 1,612,416 alleles (0.000062%); highest among the groups gnomAD compares: African/African-American, 0.0013%; no homozygotes.

Submissions (2):

Labcorp Genetics (formerly Invitae), Labcorp
Classification: Uncertain significance for Arrhythmogenic cardiomyopathy with wooly hair and keratoderma; Arrhythmogenic right ventricular dysplasia 8. Last evaluated: 2024-07-15. Review status: criteria provided, single submitter. Criteria: Invitae Variant Classification Sherloc (09022015). Collection method: clinical testing. Allele origin: germline.
Comment: This sequence change replaces glycine, which is neutral and non-polar, with arginine, which is basic and polar, at codon 2854 of the DSP protein (p.Gly2854Arg). This variant is present in population databases (no rsID available, gnomAD 0.01%). This variant has not been reported in the literature in individuals affected with DSP-related conditions. ClinVar contains an entry for this variant (Variation ID: 1763870). An algorithm developed to predict the effect of missense changes on protein structure and function (PolyPhen-2) suggests that this variant is likely to be tolerated. In summary, the available evidence is currently insufficient to determine the role of this variant in disease. Therefore, it has been classified as a Variant of Uncertain Significance.

Ambry Genetics
Classification: Uncertain significance for Cardiovascular phenotype. Last evaluated: 2022-08-16. Review status: criteria provided, single submitter. Criteria: Ambry Variant Classification Scheme 2023. Collection method: clinical testing. Allele origin: germline.
Comment: The p.G2854R variant (also known as c.8560G>A), located in coding exon 24 of the DSP gene, results from a G to A substitution at nucleotide position 8560. The glycine at codon 2854 is replaced by arginine, an amino acid with dissimilar properties. This amino acid position is conserved. In addition, the in silico prediction for this alteration is inconclusive. Since supporting evidence is limited at this time, the clinical significance of this alteration remains unclear.

NM_004415.4(DSP):c.8560G>A (p.Gly2854Arg)

Gene: DSP (desmoplakin; plus strand). Cytogenetic location: 6p24.3.
Variant type: single nucleotide variant.
Coding change: c.8560G>A on transcript NM_004415.4 (MANE Select); coding-DNA position 8560, G replaced by A.
Protein change: p.Gly2854Arg; replaces glycine 2854 with arginine.
Molecular consequence: missense variant.
Genome position (GRCh38, 1-based): chr6:7,585,822, G>A. VCF-style: chr6-7585822-G-A. GRCh37 (hg19) VCF-style: chr6-7586055-G-A.
Other names: c.6763G>A, p.Gly2255Arg (NM_001008844.3); c.7231G>A, p.Gly2411Arg (NM_001319034.2); short protein forms G2854R, G2255R, G2411R.
Identifiers: ClinVar variation 1763870 (VCV001763870.4), dbSNP rs769336879, ClinGen allele CA362695380.